The following is an entry in ClinVar:

ClinVar aggregate classification (germline): Uncertain significance (1 of 4 stars; one submission).

Submission:

Labcorp Genetics (formerly Invitae), Labcorp
Classification: Uncertain significance. Last evaluated: 2021-10-31. Review status: criteria provided, single submitter. Criteria: Invitae Variant Classification Sherloc (09022015). Collection method: clinical testing. Allele origin: germline.
Comment: This variant has not been reported in the literature in individuals affected with GSN-related conditions. In summary, the available evidence is currently insufficient to determine the role of this variant in disease. Therefore, it has been classified as a Variant of Uncertain Significance. This variant is a gross deletion of the genomic region encompassing exon(s) 1-15 of the GSN gene, which includes the initiator codon. This deletion extends beyond the assayed region for this gene and therefore may encompass additional genes. It is expected to result in an absent or disrupted protein product. However, the current clinical and genetic evidence is not sufficient to establish whether loss-of-function variants in GSN cause disease.

NC_000009.11:g.(?_124062140)_(124091613_?)del

Gene: GSN (gelsolin; plus strand). Cytogenetic location: 9q33.2.
Variant type: Deletion.
Identifiers: ClinVar variation 2422537 (VCV002422537.4).